The following is an entry in ClinVar:

ClinVar aggregate classification (germline): Benign/Likely benign. Review status: criteria provided, multiple submitters, no conflicts (2 of 4 stars). 14 submissions from 11 submitters: Benign (9); Likely benign (3). 2 of the submissions do not count toward it. Last evaluated 2026-02-04.

Conditions:
Kidney disorder. Also called: renal disorder; renal disease; Nephropathy; Kidney disease; Kidney Diseases. Identifiers: MedGen C0022658, MONDO:0005240, HP:0000112.
Joubert syndrome. Also called: Familial aplasia of the vermis; JOUBERT-BOLTSHAUSER SYNDROME. Identifiers: Orphanet 475, MedGen C5979921, MONDO:0018772.
Meckel-Gruber syndrome. Also called: Dysencephalia splachnocystica; GRUBER SYNDROME; DYSENCEPHALIA SPLANCHNOCYSTICA. Identifiers: Orphanet 564, MedGen C0265215, MONDO:0018921.
Nephronophthisis 8. Identifiers: MedGen CN119610.
Meckel syndrome, type 5 (MKS5). Identifiers: Orphanet 564, MedGen C1969052, MONDO:0012695, OMIM 611561.
Joubert syndrome 7 (JBTS7). Identifiers: Orphanet 220497, MedGen C1969053, MONDO:0012694, OMIM 611560.

Allele frequency attached by ClinVar (database versions not stated): gnomAD 0.02188 and 0.02259; ESP Exome Variant Server 0.02278; TOPMed 0.02304; 1000 Genomes Project 30x 0.02545; 1000 Genomes Project 0.02656; ExAC 0.03817.
gnomAD v4.1: 35,362 of 1,591,368 alleles (2.2%); highest among the groups gnomAD compares: South Asian, 4%; 502 homozygotes.

Submissions (14):

Labcorp Genetics (formerly Invitae), Labcorp
Classification: Benign for Joubert syndrome; Meckel-Gruber syndrome. Last evaluated: 2026-02-04. Review status: criteria provided, single submitter. Criteria: Invitae Variant Classification Sherloc (09022015). Collection method: clinical testing. Allele origin: germline.

Blueprint Genetics
Classification: Likely benign. Last evaluated: 2024-11-26. Review status: criteria provided, single submitter. Criteria: ACMG Guidelines, 2015. Collection method: clinical testing. Allele origin: germline.

Mayo Clinic Laboratories, Mayo Clinic
Classification: Benign. Last evaluated: 2023-05-25. Review status: criteria provided, single submitter. Criteria: ACMG Guidelines, 2015. Collection method: clinical testing. Allele origin: germline. Observed: 30 variant alleles.
Comment: BS1, BS2, BP4, BP7

Genome Diagnostics Laboratory, The Hospital for Sick Children
Classification: Benign for Kidney disorder. Last evaluated: 2022-03-25. Review status: criteria provided, single submitter. Criteria: ACMG Guidelines, 2015. Collection method: clinical testing. Allele origin: germline.

Genome-Nilou Lab
Classification: Benign for Joubert syndrome 7. Last evaluated: 2021-07-10. Review status: criteria provided, single submitter. Criteria: ACMG Guidelines, 2015. Collection method: clinical testing. Allele origin: germline. Affected: no.

Genome-Nilou Lab
Classification: Benign for Meckel syndrome, type 5. Last evaluated: 2021-07-10. Review status: criteria provided, single submitter. Criteria: ACMG Guidelines, 2015. Collection method: clinical testing. Allele origin: germline. Affected: no.

Illumina Laboratory Services, Illumina
Classification: Likely benign for Meckel syndrome, type 5. Last evaluated: 2018-01-13. Review status: criteria provided, single submitter. Criteria: ICSL Variant Classification Criteria 13 December 2019. Collection method: clinical testing. Allele origin: germline.
Comment: This variant was observed in the ICSL laboratory as part of a predisposition screen in an ostensibly healthy population. It had not been previously curated by ICSL or reported in the Human Gene Mutation Database (HGMD: prior to June 1st, 2018), and was therefore a candidate for classification through an automated scoring system. Utilizing variant allele frequency, disease prevalence and penetrance estimates, and inheritance mode, an automated score was calculated to assess if this variant is too frequent to cause the disease. Based on the score and internal cut-off values, a variant classified as likely benign is not then subjected to further curation. The score for this variant resulted in a classification of likely benign for this disease.

Illumina Laboratory Services, Illumina
Classification: Benign for Joubert syndrome 7. Last evaluated: 2018-01-13. Review status: criteria provided, single submitter. Criteria: ICSL Variant Classification Criteria 13 December 2019. Collection method: clinical testing. Allele origin: germline.
Comment: This variant was observed in the ICSL laboratory as part of a predisposition screen in an ostensibly healthy population. It had not been previously curated by ICSL or reported in the Human Gene Mutation Database (HGMD: prior to June 1st, 2018), and was therefore a candidate for classification through an automated scoring system. Utilizing variant allele frequency, disease prevalence and penetrance estimates, and inheritance mode, an automated score was calculated to assess if this variant is too frequent to cause the disease. Based on the score and internal cut-off values, a variant classified as benign is not then subjected to further curation. The score for this variant resulted in a classification of benign for this disease.

Illumina Laboratory Services, Illumina
Classification: Benign for Nephronophthisis 8. Last evaluated: 2018-01-13. Review status: criteria provided, single submitter. Criteria: ICSL Variant Classification Criteria 13 December 2019. Collection method: clinical testing. Allele origin: germline.
Comment: the same text as in the submission from Illumina Laboratory Services, Illumina above.

GeneDx
Classification: Benign. Last evaluated: 2014-04-15. Review status: criteria provided, single submitter. Criteria: GeneDx Variant Classification (06012015). Collection method: clinical testing. Allele origin: germline. Affected: yes.
Comment: This variant is considered likely benign or benign based on one or more of the following criteria: it is a conservative change, it occurs at a poorly conserved position in the protein, it is predicted to be benign by multiple in silico algorithms, and/or has population frequency not consistent with disease.

Breakthrough Genomics
Classification: Likely benign. Review status: criteria provided, single submitter. Criteria: ACMG Guidelines, 2015. Collection method: not provided. Allele origin: germline. Inheritance: Autosomal recessive inheritance. Affected: yes.

PreventionGenetics, part of Exact Sciences
Classification: Benign. Review status: criteria provided, single submitter. Criteria: ACMG Guidelines, 2015. Collection method: clinical testing. Allele origin: germline.

Natera, Inc.
Classification: Benign for Joubert syndrome. Last evaluated: 2020-09-16. Review status: no assertion criteria provided. Collection method: clinical testing. Allele origin: germline. Not counted in ClinVar's aggregate classification.

Genetic Services Laboratory, University of Chicago
Classification: Likely benign for AllHighlyPenetrant. Review status: no assertion criteria provided. Collection method: clinical testing. Allele origin: germline. Inheritance: Autosomal recessive inheritance. Observed: 25 variant alleles. Not counted in ClinVar's aggregate classification.
Comment: Likely benign based on allele frequency in 1000 Genomes Project or ESP global frequency and its presence in a patient with a rare or unrelated disease phenotype. NOT Sanger confirmed.

NM_015272.5(RPGRIP1L):c.1341G>A (p.Leu447=)

Gene: RPGRIP1L (RPGRIP1 like; minus strand). Cytogenetic location: 16q12.2.
Variant type: single nucleotide variant.
Coding change: c.1341G>A on transcript NM_015272.5 (MANE Select); coding-DNA position 1341, G replaced by A.
Protein change: p.Leu447=; no amino-acid change (leucine 447 retained).
Molecular consequence: synonymous variant.
Genome position (GRCh38, 1-based): chr16:53,658,781, C>T on the plus strand (G>A on the coding strand, the complement: RPGRIP1L is on the minus strand). VCF-style: chr16-53658781-C-T. GRCh37 (hg19) VCF-style: chr16-53692693-C-T.
Other names: p.L447L:TTG>TTA; p.Leu447=; c.1341G>A (NM_015272.4); c.1341G>A, p.Leu447= (NM_001127897.4, NM_001308334.3, NM_001330538.2).
Identifiers: ClinVar variation 126275 (VCV000126275.30), dbSNP rs61743997, ClinGen allele CA150940.